The following is an entry in ClinVar:

NM_181882.3(PRX):c.1339G>A (p.Ala447Thr)

Gene: PRX (periaxin; minus strand). Cytogenetic location: 19q13.2.
Variant type: single nucleotide variant.
Coding change: c.1339G>A on transcript NM_181882.3 (MANE Select); coding-DNA position 1339, G replaced by A.
Protein change: p.Ala447Thr; replaces alanine 447 with threonine.
Molecular consequence: missense variant. On other transcripts: 3 prime UTR variant (1).
Genome position (GRCh38, 1-based): chr19:40,397,013, C>T on the plus strand (G>A on the coding strand, the complement: PRX is on the minus strand). VCF-style: chr19-40397013-C-T. GRCh37 (hg19) VCF-style: chr19-40902920-C-T.
Other names: c.*1544G>A (NM_020956.2); short protein forms A447T.
Identifiers: ClinVar variation 956001 (VCV000956001.9), dbSNP rs2079445823, ClinGen allele CA405898597.

ClinVar aggregate classification (germline): Uncertain significance (1 of 4 stars; one submission).

Conditions:
Charcot-Marie-Tooth disease type 4. Also called: Charcot-Marie-Tooth disease, type IV; Charcot-Marie-Tooth, Type 4. Identifiers: Orphanet 64749, MedGen C4082197, MONDO:0018995.

Allele frequency attached by ClinVar (database versions not stated): gnomAD exomes below 0.00001.
gnomAD v4.1: 1 of 1,614,150 alleles (0.000062%); highest among the groups gnomAD compares: Non-Finnish European, 0.000085%; no homozygotes.

Submission:

Labcorp Genetics (formerly Invitae), Labcorp
Classification: Uncertain significance for Charcot-Marie-Tooth disease type 4. Last evaluated: 2022-06-03. Review status: criteria provided, single submitter. Criteria: Invitae Variant Classification Sherloc (09022015). Collection method: clinical testing. Allele origin: germline.
Comment: In summary, the available evidence is currently insufficient to determine the role of this variant in disease. Therefore, it has been classified as a Variant of Uncertain Significance. Algorithms developed to predict the effect of missense changes on protein structure and function are either unavailable or do not agree on the potential impact of this missense change (SIFT: "Tolerated"; PolyPhen-2: "Possibly Damaging"; Align-GVGD: "Class C0"). ClinVar contains an entry for this variant (Variation ID: 956001). This variant has not been reported in the literature in individuals affected with PRX-related conditions. This variant is not present in population databases (gnomAD no frequency). This sequence change replaces alanine, which is neutral and non-polar, with threonine, which is neutral and polar, at codon 447 of the PRX protein (p.Ala447Thr).